The following is an entry in ClinVar:

ClinVar aggregate classification (germline): Uncertain significance. Review status: criteria provided, multiple submitters, no conflicts (2 of 4 stars). 2 submissions from 2 submitters: Uncertain significance (2). Last evaluated 2025-04-10.

Submissions (2):

Ambry Genetics
Classification: Uncertain significance. Last evaluated: 2025-04-10. Review status: criteria provided, single submitter. Criteria: Ambry Variant Classification Scheme 2023. Collection method: clinical testing. Allele origin: germline.

Labcorp Genetics (formerly Invitae), Labcorp
Classification: Uncertain significance. Last evaluated: 2025-02-12. Review status: criteria provided, single submitter. Criteria: Invitae Variant Classification Sherloc (09022015). Collection method: clinical testing. Allele origin: germline.
Comment: This sequence change replaces isoleucine, which is neutral and non-polar, with valine, which is neutral and non-polar, at codon 384 of the ATP2B4 protein (p.Ile384Val). This variant is present in population databases (rs780981668, gnomAD 0.009%). This variant has not been reported in the literature in individuals affected with ATP2B4-related conditions. Invitae Evidence Modeling of protein sequence and biophysical properties (such as structural, functional, and spatial information, amino acid conservation, physicochemical variation, residue mobility, and thermodynamic stability) indicates that this missense variant is not expected to disrupt ATP2B4 protein function with a negative predictive value of 80%. In summary, the available evidence is currently insufficient to determine the role of this variant in disease. Therefore, it has been classified as a Variant of Uncertain Significance.

NM_001684.5(ATP2B4):c.1150A>G (p.Ile384Val)

Gene: ATP2B4 (ATPase plasma membrane Ca2+ transporting 4; plus strand). Cytogenetic location: 1q32.1.
Variant type: single nucleotide variant.
Coding change: c.1150A>G on transcript NM_001684.5 (MANE Select); coding-DNA position 1150, A replaced by G.
Protein change: p.Ile384Val; replaces isoleucine 384 with valine.
Molecular consequence: missense variant.
Genome position (GRCh38, 1-based): chr1:203,707,059, A>G. VCF-style: chr1-203707059-A-G. GRCh37 (hg19) VCF-style: chr1-203676187-A-G.
Other names: c.1150A>G, p.Ile384Val (NM_001001396.3, NM_001365783.2, NM_001365784.2); short protein forms I384V.
Identifiers: ClinVar variation 3971727 (VCV003971727.2).
Genomic context (GRCh38, chr1:203,707,059, plus strand): 5'-CTCTGGACAGGTCTGCTCATGTCTGCTCTCACGGTTTTCATCCTGATTCTATACTTTGTG[A>G]TTGACAACTTTGTGATAAATCGCAGACCATGGCTCCCTGAGTGTACTCCCATCTACATCC-3'
Protein context (NP_001675.3, residues 374-394): TVFILILYFV[Ile384Val]DNFVINRRPW